The following is an entry in ClinVar:

NM_000038.6(APC):c.1939del (p.Ala647fs)

Gene: APC (APC regulator of Wnt signaling pathway; plus strand). Cytogenetic location: 5q22.2.
Variant type: Deletion.
Coding change: c.1939del on transcript NM_000038.6 (MANE Select); coding-DNA position 1939, one base deleted (G; older notation c.1939delG).
Protein change: p.Ala647fs; shifts the reading frame from alanine 647.
Molecular consequence: frameshift variant. On other transcripts: non-coding transcript variant (2).
Genome position (GRCh38, 1-based): chr5:112,835,146, G deleted. VCF-style (leftmost placement, unchanged base first): chr5-112835145-AG-A. GRCh37 (hg19) VCF-style: chr5-112170842-AG-A.
Other names: c.1939del, p.Ala647fs (NM_001127510.3, NM_001354895.2, NM_001407450.1); c.1885del, p.Ala629fs (NM_001127511.3); c.1993del, p.Ala665fs (NM_001354896.2, NM_001407447.1, NM_001407448.1 and 1 more transcripts); c.1969del, p.Ala657fs (NM_001354897.2); c.1864del, p.Ala622fs (NM_001354898.2); c.1855del, p.Ala619fs (NM_001354899.2); c.1816del, p.Ala606fs (NM_001354900.2); c.1762del, p.Ala588fs (NM_001354901.2, NM_001407453.1); and 11 more; short protein forms A263fs, A364fs, A487fs, A518fs, A521fs, A546fs, A556fs, A564fs.
Identifiers: ClinVar variation 5042277 (VCV005042277.1).

ClinVar aggregate classification (germline): Pathogenic (1 of 4 stars; one submission).

Conditions:
Familial adenomatous polyposis 1 (FAP1). Also called: POLYPOSIS, ADENOMATOUS INTESTINAL; FAMILIAL ADENOMATOUS POLYPOSIS 1, ATTENUATED. Identifiers: MedGen C2713442, MONDO:0021056, OMIM 175100. Disease mechanism: loss of function.

Submission:

Myriad Genetics, Inc.
Classification: Pathogenic for Familial adenomatous polyposis 1. Last evaluated: 2026-09-08. Review status: criteria provided, single submitter. Criteria: Myriad Autosomal Dominant, Autosomal Recessive and X-Linked Classification Criteria (2023). Collection method: clinical testing. Allele origin: unknown.
Comment: This variant is considered pathogenic. This variant creates a frameshift predicted to result in premature protein truncation.